The following is an entry in ClinVar:

NM_003482.4(KMT2D):c.5084-17A>G

Gene: KMT2D (lysine methyltransferase 2D; minus strand). Cytogenetic location: 12q13.12.
Variant type: single nucleotide variant.
Coding change: c.5084-17A>G on transcript NM_003482.4 (MANE Select); 17 bases into the intron before coding-DNA position 5084, A replaced by G.
Molecular consequence: intron variant.
Genome position (GRCh38, 1-based): chr12:49,044,321, T>C on the plus strand (A>G on the coding strand, the complement: KMT2D is on the minus strand). VCF-style: chr12-49044321-T-C. GRCh37 (hg19) VCF-style: chr12-49438104-T-C.
Identifiers: ClinVar variation 1033590 (VCV001033590.5), dbSNP rs368795536, ClinGen allele CA6547629.

ClinVar aggregate classification (germline): Conflicting classifications of pathogenicity. Review status: criteria provided, conflicting classifications (1 of 4 stars). 2 submissions from 2 submitters: Uncertain significance (1); Likely benign (1). Last evaluated 2025-01-22.

Conditions:
Kabuki syndrome. Also called: NIIKAWA-KUROKI SYNDROME; Kabuki make-up syndrome. Identifiers: Orphanet 2322, MedGen C0796004, MONDO:0016512.
Kabuki syndrome 1 (KABUK1). Also called: KMT2D-Related Kabuki Syndrome. Identifiers: Orphanet 2322, MedGen CN030661, MONDO:0007843, OMIM 147920.

Allele frequency attached by ClinVar (database versions not stated): gnomAD exomes 0.00002; ExAC 0.00003; ESP Exome Variant Server 0.00008; gnomAD 0.00010 and 0.00011; TOPMed 0.00012.
gnomAD v4.1: 40 of 1,613,652 alleles (0.0025%); highest among the groups gnomAD compares: African/African-American, 0.02%; no homozygotes.

Submissions (2):

Labcorp Genetics (formerly Invitae), Labcorp
Classification: Likely benign for Kabuki syndrome. Last evaluated: 2025-01-22. Review status: criteria provided, single submitter. Criteria: Invitae Variant Classification Sherloc (09022015). Collection method: clinical testing. Allele origin: germline.

Baylor Genetics
Classification: Uncertain significance for Kabuki syndrome 1. Last evaluated: 2018-12-19. Review status: criteria provided, single submitter. Criteria: ACMG Guidelines, 2015. Collection method: clinical testing. Allele origin: paternal. Affected: yes.
Comment: This variant was determined to be of uncertain significance according to ACMG Guidelines, 2015 [PMID:25741868].